The following is an entry in ClinVar:

NM_178335.3(CCDC50):c.56G>A (p.Arg19Gln)

Gene: CCDC50 (coiled-coil domain containing 50; plus strand). Cytogenetic location: 3q28.
Variant type: single nucleotide variant.
Coding change: c.56G>A on transcript NM_178335.3 (MANE Select); coding-DNA position 56, G replaced by A.
Protein change: p.Arg19Gln; replaces arginine 19 with glutamine.
Molecular consequence: missense variant.
Genome position (GRCh38, 1-based): chr3:191,357,094, G>A. VCF-style: chr3-191357094-G-A. GRCh37 (hg19) VCF-style: chr3-191074883-G-A.
Other names: c.56G>A, p.Arg19Gln (NM_174908.4); short protein forms R19Q.
Identifiers: ClinVar variation 3370206 (VCV003370206.1).

ClinVar aggregate classification (germline): Uncertain significance (1 of 4 stars; one submission).

gnomAD v4.1: 5 of 1,610,950 alleles (0.00031%); highest among the groups gnomAD compares: South Asian, 0.0044%; no homozygotes.

Submission:

GeneDx
Classification: Uncertain significance. Last evaluated: 2024-01-02. Review status: criteria provided, single submitter. Criteria: GeneDx Variant Classification Process June 2021. Collection method: clinical testing. Allele origin: germline. Affected: yes.
Comment: In silico analysis supports that this missense variant does not alter protein structure/function; Has not been previously published as pathogenic or benign to our knowledge